The following is an entry in ClinVar:

NM_000540.3(RYR1):c.13883T>C (p.Met4628Thr)

Gene: RYR1 (ryanodine receptor 1; plus strand). Cytogenetic location: 19q13.2.
Variant type: single nucleotide variant.
Coding change: c.13883T>C on transcript NM_000540.3 (MANE Select); coding-DNA position 13883, T replaced by C.
Protein change: p.Met4628Thr; replaces methionine 4628 with threonine.
Molecular consequence: missense variant.
Genome position (GRCh38, 1-based): chr19:38,572,155, T>C. VCF-style: chr19-38572155-T-C. GRCh37 (hg19) VCF-style: chr19-39062795-T-C.
Other names: c.13868T>C, p.Met4623Thr (NM_001042723.2); short protein forms M4623T, M4628T.
Identifiers: ClinVar variation 3900175 (VCV003900175.1).
Genomic context (GRCh38, chr19:38,572,155, plus strand): 5'-GCAGCTCTGGCTGGGGCTTGGGGGCCGGAGAGGAGGCAGAGGGCGATGAGGATGAGAACA[T>C]GGTGTACTACTTCCTGGAGGAAAGCACAGGCTACATGGAACCCGCCCTGCGGTGTCTGAG-3'
Protein context (NP_000531.2, residues 4618-4638): EEAEGDEDEN[Met4628Thr]VYYFLEESTG

ClinVar aggregate classification (germline): Uncertain significance (1 of 4 stars; one submission).

Submission:

GeneDx
Classification: Uncertain significance. Last evaluated: 2024-11-25. Review status: criteria provided, single submitter. Criteria: GeneDx Variant Classification Process June 2021. Collection method: clinical testing. Allele origin: germline. Affected: yes.
Comment: Not observed at significant frequency in large population cohorts (gnomAD); In silico analysis supports that this missense variant has a deleterious effect on protein structure/function; Has not been previously published as pathogenic or benign to our knowledge; This variant is associated with the following publications: (PMID: 20681998, 33767344)